The following is an entry in ClinVar:

NM_024408.4(NOTCH2):c.2982-7T>C

Gene: NOTCH2 (notch receptor 2; minus strand). Cytogenetic location: 1p12.
Variant type: single nucleotide variant.
Coding change: c.2982-7T>C on transcript NM_024408.4 (MANE Select); 7 bases into the intron before coding-DNA position 2982, T replaced by C.
Molecular consequence: intron variant.
Genome position (GRCh38, 1-based): chr1:119,940,763, A>G on the plus strand (T>C on the coding strand, the complement: NOTCH2 is on the minus strand). VCF-style: chr1-119940763-A-G. GRCh37 (hg19) VCF-style: chr1-120483386-A-G.
Other names: c.2982-7T>C (NM_001200001.2).
Identifiers: ClinVar variation 3345270 (VCV003345270.1).

ClinVar aggregate classification (germline): Likely benign (0 of 4 stars; one submission).

Conditions:
NOTCH2-related disorder. Also called: NOTCH2-related condition.

gnomAD v4.1: 3 of 1,612,052 alleles (0.00019%); highest among the groups gnomAD compares: African/African-American, 0.004%; no homozygotes.

Submission:

PreventionGenetics, part of Exact Sciences
Classification: Likely benign for NOTCH2-related condition. Last evaluated: 2024-05-08. Review status: no assertion criteria provided. Collection method: clinical testing. Allele origin: germline.
Comment: This variant is classified as likely benign based on ACMG/AMP sequence variant interpretation guidelines (Richards et al. 2015 PMID: 25741868, with internal and published modifications).